The following is an entry in ClinVar:

NM_001267550.2(TTN):c.96212T>G (p.Ile32071Arg)

Genes: TTN (titin; minus strand), TTN-AS1 (TTN antisense RNA 1; plus strand), LOC126806421 (CDK7 strongly-dependent group 2 enhancer GRCh37_chr2:179407630-179408829; plus strand). Cytogenetic location: 2q31.2.
Variant type: single nucleotide variant.
Coding change: c.96212T>G on transcript NM_001267550.2 (MANE Select); coding-DNA position 96212, T replaced by G.
Protein change: p.Ile32071Arg; replaces isoleucine 32071 with arginine.
Molecular consequence: missense variant.
Genome position (GRCh38, 1-based): chr2:178,543,932, A>C on the plus strand (T>G on the coding strand, the complement: TTN is on the minus strand). VCF-style: chr2-178543932-A-C. GRCh37 (hg19) VCF-style: chr2-179408659-A-C.
Other names: c.96212T>G (NM_001267550.1); c.91289T>G, p.Ile30430Arg (NM_001256850.1); c.69017T>G, p.Ile23006Arg (NM_003319.4); c.88508T>G, p.Ile29503Arg (NM_133378.4); c.69392T>G, p.Ile23131Arg (NM_133432.3); c.69593T>G, p.Ile23198Arg (NM_133437.4); short protein forms I32071R, I23006R, I23131R, I23198R, I29503R, I30430R.
Identifiers: ClinVar variation 440366 (VCV000440366.55), dbSNP rs755545981, ClinGen allele CA1986799.
Genomic context (GRCh38, chr2:178,543,932, plus strand): 5'-GATTGGTTTTCAGCTTCAATTGTGTATTTTCCAGCATCGTACCGATTAACTTTGTCCACT[A>C]TTAGCAATGAGTAGCTCTCAGTGGTGTCAATAATTGCCCGGCTTGCAAGGTCAATGCCCT-3'
Protein context (NP_001254479.2, residues 32061-32081): IDTTESYSLL[Ile32071Arg]VDKVNRYDAG

ClinVar aggregate classification (germline): Uncertain significance. Review status: criteria provided, multiple submitters, no conflicts (2 of 4 stars). 6 submissions from 6 submitters: Uncertain significance (6). Last evaluated 2025-08-18.

Conditions:
TTN-related disorder. Also called: TTN-related condition; TTN-related disease; TTN-related disorders.
Cardiovascular phenotype. Identifiers: MedGen CN230736.

Allele frequency attached by ClinVar (database versions not stated): TOPMed 0.00002.
gnomAD v4.1: 14 of 1,613,552 alleles (0.00087%); highest among the groups gnomAD compares: African/African-American, 0.0013%; no homozygotes.

Submissions (6):

PreventionGenetics, part of Exact Sciences
Classification: Uncertain significance for TTN-related condition. Last evaluated: 2025-08-18. Review status: criteria provided, single submitter. Criteria: ACMG Guidelines, 2015. Collection method: clinical testing. Allele origin: germline.
Comment: The TTN c.96212T>G variant is predicted to result in the amino acid substitution p.Ile32071Arg. To our knowledge, this variant has not been reported in the literature. This variant is reported in 0.0018% of alleles in individuals of European (Non-Finnish) descent in gnomAD. At this time, the clinical significance of this variant is uncertain due to the absence of conclusive functional and genetic evidence.

GeneDx
Classification: Uncertain significance. Last evaluated: 2025-07-01. Review status: criteria provided, single submitter. Criteria: GeneDx Variant Classification Process June 2021. Collection method: clinical testing. Allele origin: germline. Affected: yes.
Comment: Not observed at significant frequency in large population cohorts (gnomAD); Missense variant in a gene in which most reported pathogenic variants are truncating/loss of function; Has not been previously published as pathogenic or benign to our knowledge

Revvity Omics, Revvity
Classification: Uncertain significance. Last evaluated: 2020-03-01. Review status: criteria provided, single submitter. Criteria: ACMG Guidelines, 2015. Collection method: clinical testing. Allele origin: germline.

Ambry Genetics
Classification: Uncertain significance for Cardiovascular phenotype. Last evaluated: 2019-06-19. Review status: criteria provided, single submitter. Criteria: Ambry Variant Classification Scheme 2023. Collection method: clinical testing. Allele origin: germline.
Comment: The p.I23006R variant (also known as c.69017T>G), located in coding exon 173 of the TTN gene, results from a T to G substitution at nucleotide position 69017. The isoleucine at codon 23006 is replaced by arginine, an amino acid with similar properties. This amino acid position is not well conserved in available vertebrate species. In addition, this alteration is predicted to be tolerated by in silico analysis. Since supporting evidence is limited at this time, the clinical significance of this alteration remains unclear.

ARUP Laboratories, Molecular Genetics and Genomics, ARUP Laboratories
Classification: Uncertain significance. Last evaluated: 2017-01-05. Review status: criteria provided, single submitter. Criteria: ARUP Molecular Germline Variant Investigation Process. Collection method: clinical testing. Allele origin: germline.

CeGaT Center for Human Genetics Tuebingen
Classification: Uncertain significance. Last evaluated: 2016-06-01. Review status: criteria provided, single submitter. Criteria: CeGaT Center For Human Genetics Tuebingen Variant Classification Criteria Version 2. Collection method: clinical testing. Allele origin: germline. Affected: yes. Observed: 1 variant allele.